The following is an entry in ClinVar:

NM_001267550.2(TTN):c.14066C>G (p.Ser4689Ter)

Gene: TTN (titin; minus strand). Cytogenetic location: 2q31.2.
Variant type: single nucleotide variant.
Coding change: c.14066C>G on transcript NM_001267550.2 (MANE Select); coding-DNA position 14066, C replaced by G.
Protein change: p.Ser4689Ter; replaces serine 4689 with a stop codon.
Molecular consequence: nonsense. On other transcripts: intron variant (1).
Genome position (GRCh38, 1-based): chr2:178,739,167, G>C on the plus strand (C>G on the coding strand, the complement: TTN is on the minus strand). VCF-style: chr2-178739167-G-C. GRCh37 (hg19) VCF-style: chr2-179603894-G-C.
Other names: c.13115C>G, p.Ser4372Ter (NM_001256850.1); c.12977C>G, p.Ser4326Ter (NM_003319.4); c.13352C>G, p.Ser4451Ter (NM_133432.3); c.13553C>G, p.Ser4518Ter (NM_133437.4); c.10361-807C>G (NM_133378.4); short protein forms S4326*, S4518*, S4451*, S4372*, S4689*.
Identifiers: ClinVar variation 4785298 (VCV004785298.1).

ClinVar aggregate classification (germline): Likely pathogenic (1 of 4 stars; one submission).

Conditions:
Autosomal recessive limb-girdle muscular dystrophy type 2J (LGMDR10). Also called: Limb-girdle muscular dystrophy, type 2J; MUSCULAR DYSTROPHY, LIMB-GIRDLE, AUTOSOMAL RECESSIVE 10. Identifiers: Orphanet 140922, MedGen C1837342, MONDO:0012127, OMIM 608807.
Dilated cardiomyopathy 1G (CMD1G). Identifiers: Orphanet 154, MedGen C1858763, MONDO:0011400, OMIM 604145.

Submission:

Labcorp Genetics (formerly Invitae), Labcorp
Classification: Likely pathogenic for Dilated cardiomyopathy 1G; Autosomal recessive limb-girdle muscular dystrophy type 2J. Last evaluated: 2025-06-14. Review status: criteria provided, single submitter. Criteria: Invitae Variant Classification Sherloc (09022015). Collection method: clinical testing. Allele origin: germline.
Comment: This sequence change creates a premature translational stop signal (p.Ser4689*) in the TTN gene. While this is not anticipated to result in nonsense mediated decay, it is expected to create a truncated TTN protein. This variant is not present in population databases (gnomAD no frequency). This variant has not been reported in the literature in individuals affected with TTN-related conditions. Algorithms developed to predict the effect of sequence changes on RNA splicing suggest that this variant may disrupt the consensus splice site. This variant is located in the I band of TTN (PMID: 25589632). Truncating variants in this region have been reported in individuals affected with autosomal recessive centronuclear myopathy (PMID: 23975875, internal data). Truncating variants in this region have also been identified in individuals affected with autosomal dominant dilated cardiomyopathy and/or cardio-related conditions (PMID: 27869827, 32964742, internal data). In summary, the currently available evidence indicates that the variant is pathogenic, but additional data are needed to prove that conclusively. Therefore, this variant has been classified as Likely Pathogenic.

Literature cited by the submitters: PubMed 25589632; PubMed 23975875; PubMed 27869827; PubMed 32964742.